The following is an entry in ClinVar:

NM_000543.5(SMPD1):c.708G>A (p.Pro236=)

Gene: SMPD1 (sphingomyelin phosphodiesterase 1; plus strand). Cytogenetic location: 11p15.4.
Variant type: single nucleotide variant.
Coding change: c.708G>A on transcript NM_000543.5 (MANE Select); coding-DNA position 708, G replaced by A.
Protein change: p.Pro236=; no amino-acid change (proline 236 retained).
Molecular consequence: synonymous variant. On other transcripts: 5 prime UTR variant (1), non-coding transcript variant (1).
Genome position (GRCh38, 1-based): chr11:6,391,773, G>A. VCF-style: chr11-6391773-G-A. GRCh37 (hg19) VCF-style: chr11-6413003-G-A.
Other names: c.705G>A, p.Pro235= (NM_001007593.3); c.708G>A, p.Pro236= (NM_001318087.2, NM_001365135.2); c.-254G>A (NM_001318088.2).
Identifiers: ClinVar variation 500493 (VCV000500493.20), dbSNP rs374604948, ClinGen allele CA5852667.

ClinVar aggregate classification (germline): Conflicting classifications of pathogenicity. Review status: criteria provided, conflicting classifications (1 of 4 stars). 5 submissions from 5 submitters: Uncertain significance (1); Likely benign (2). 2 of the submissions do not count toward it. Last evaluated 2026-01-20.

Conditions:
SMPD1-related disorder. Also called: SMPD1-related condition.
Inborn genetic diseases. Identifiers: MedGen C0950123, MeSH D030342.
Niemann-Pick disease, type A. Also called: SPHINGOMYELIN LIPIDOSIS; SPHINGOMYELINASE DEFICIENCY; Infantile Neurovisceral ASMD (Niemann-Pick Disease Type A; NPD-A). Identifiers: Orphanet 77292, MedGen C0268242, MONDO:0009756, OMIM 257200. Disease mechanism: loss of function.
Niemann-Pick disease, type B. Also called: Chronic Visceral ASMD (Niemann-Pick Disease Type B; NPD-B). Identifiers: Orphanet 77293, MedGen C0268243, MONDO:0011871, OMIM 607616. Disease mechanism: loss of function.
Sphingomyelin/cholesterol lipidosis. Also called: Niemann-Pick disease. Identifiers: MedGen C0028064, MONDO:0001982.

Allele frequency attached by ClinVar (database versions not stated): ESP Exome Variant Server 0.00008; gnomAD 0.00012 and 0.00014; gnomAD exomes 0.00013; TOPMed 0.00013; ExAC 0.00019.
gnomAD v4.1: 207 of 1,611,970 alleles (0.013%); highest among the groups gnomAD compares: Non-Finnish European, 0.015%; no homozygotes.

Submissions (5):

Labcorp Genetics (formerly Invitae), Labcorp
Classification: Likely benign for Niemann-Pick disease, type B; Niemann-Pick disease, type A. Last evaluated: 2026-01-20. Review status: criteria provided, single submitter. Criteria: Invitae Variant Classification Sherloc (09022015). Collection method: clinical testing. Allele origin: germline.

Ambry Genetics
Classification: Likely benign for Inborn genetic diseases. Last evaluated: 2022-09-24. Review status: criteria provided, single submitter. Criteria: Ambry Variant Classification Scheme 2023. Collection method: clinical testing. Allele origin: germline.

Eurofins Ntd Llc (ga)
Classification: Uncertain significance. Last evaluated: 2017-02-20. Review status: criteria provided, single submitter. Criteria: EGL Classification Definitions 2015. Collection method: clinical testing. Allele origin: germline. Observed: 1 variant allele, 1 heterozygote.

PreventionGenetics, part of Exact Sciences
Classification: Likely benign for SMPD1-related condition. Last evaluated: 2019-03-28. Review status: no assertion criteria provided. Collection method: clinical testing. Allele origin: germline. Not counted in ClinVar's aggregate classification.
Comment: This variant is classified as likely benign based on ACMG/AMP sequence variant interpretation guidelines (Richards et al. 2015 PMID: 25741868, with internal and published modifications).

Natera, Inc.
Classification: Uncertain significance for Acid sphingomyelinase deficiency. Last evaluated: 2018-05-28. Review status: no assertion criteria provided. Collection method: clinical testing. Allele origin: germline. Not counted in ClinVar's aggregate classification.